The following is an entry in ClinVar:

NM_032737.4(LMNB2):c.1006C>T (p.Arg336Trp)

Gene: LMNB2 (lamin B2; minus strand). Cytogenetic location: 19p13.3.
Variant type: single nucleotide variant.
Coding change: c.1006C>T on transcript NM_032737.4 (MANE Select); coding-DNA position 1006, C replaced by T.
Protein change: p.Arg336Trp; replaces arginine 336 with tryptophan.
Molecular consequence: missense variant.
Genome position (GRCh38, 1-based): chr19:2,434,491, G>A on the plus strand (C>T on the coding strand, the complement: LMNB2 is on the minus strand). VCF-style: chr19-2434491-G-A. GRCh37 (hg19) VCF-style: chr19-2434489-G-A.
Other names: c.946C>T (NM_032737.2); short protein forms R336W.
Identifiers: ClinVar variation 1403133 (VCV001403133.9), dbSNP rs775486191, ClinGen allele CA9067625.
Genomic context (GRCh38, chr19:2,434,491, plus strand): 5'-TGGCGTCCAGCATCTTCCGGAACTTGTCCCGCTCCCCGGCCATGGCCTCCTCCAGCTCCC[G>A]AATGCGATCTTCAGCGGCACTGGCCTGCGGAGGGGGCGGGTGGCGAAGGTCAGGGCAGCC-3'
Protein context (NP_116126.3, residues 326-346): KQASAAEDRI[Arg336Trp]ELEEAMAGER

ClinVar aggregate classification (germline): Uncertain significance. Review status: criteria provided, multiple submitters, no conflicts (2 of 4 stars). 2 submissions from 2 submitters: Uncertain significance (2). Last evaluated 2023-05-22.

Conditions:
Lipodystrophy, partial, acquired, susceptibility to (APLD). Also called: APLD, SUSCEPTIBILITY TO. Identifiers: MedGen C3887501, MONDO:0100476, OMIM 608709.
Progressive myoclonic epilepsy type 9. Identifiers: Orphanet 457265, MedGen C4225289, MONDO:0014685, OMIM 616540.

Allele frequency attached by ClinVar (database versions not stated): TOPMed below 0.00001; gnomAD 0.00001 and 0.00003; gnomAD exomes 0.00001; ExAC 0.00002.

Submissions (2):

Ambry Genetics
Classification: Uncertain significance. Last evaluated: 2023-05-22. Review status: criteria provided, single submitter. Criteria: Ambry Variant Classification Scheme 2023. Collection method: clinical testing. Allele origin: germline.

Labcorp Genetics (formerly Invitae), Labcorp
Classification: Uncertain significance for Progressive myoclonic epilepsy type 9; Lipodystrophy, partial, acquired, susceptibility to. Last evaluated: 2021-04-10. Review status: criteria provided, single submitter. Criteria: Invitae Variant Classification Sherloc (09022015). Collection method: clinical testing. Allele origin: germline.
Comment: In summary, the available evidence is currently insufficient to determine the role of this variant in disease. Therefore, it has been classified as a Variant of Uncertain Significance. Algorithms developed to predict the effect of missense changes on protein structure and function (SIFT, PolyPhen-2, Align-GVGD) all suggest that this variant is likely to be disruptive, but these predictions have not been confirmed by published functional studies and their clinical significance is uncertain. This variant has not been reported in the literature in individuals with LMNB2-related conditions. This variant is present in population databases (rs775486191, ExAC 0.003%). This sequence change replaces arginine with tryptophan at codon 336 of the LMNB2 protein (p.Arg336Trp). The arginine residue is highly conserved and there is a moderate physicochemical difference between arginine and tryptophan.